The following is an entry in ClinVar:

ClinVar aggregate classification (germline): Conflicting classifications of pathogenicity. Review status: criteria provided, conflicting classifications (1 of 4 stars). 2 submissions from 2 submitters: Uncertain significance (1); Benign (1). Last evaluated 2025-07-29.

Conditions:
Congenital contractural arachnodactyly (CCA). Also called: Beals-Hecht syndrome; BEALS SYNDROME; Arthrogryposis, distal, type 9. Identifiers: Orphanet 115, MedGen C0220668, MONDO:0007363, OMIM 121050.

Allele frequency attached by ClinVar (database versions not stated): gnomAD exomes below 0.00001 and 0.00001; ExAC 0.00001; gnomAD 0.00001; TOPMed 0.00001.
gnomAD v4.1: 6 of 1,613,932 alleles (0.00037%); highest among the groups gnomAD compares: Non-Finnish European, 0.00051%; no homozygotes.

Submissions (2):

GeneDx
Classification: Uncertain significance. Last evaluated: 2025-07-29. Review status: criteria provided, single submitter. Criteria: GeneDx Variant Classification Process June 2021. Collection method: clinical testing. Allele origin: germline. Affected: yes.
Comment: Has not been previously published as pathogenic or benign to our knowledge; Not observed at significant frequency in large population cohorts (gnomAD); In silico analysis suggests that this missense variant does not alter protein structure/function; Although located in a calcium-binding EGF-like domain of the FBN2 gene, it does not substitute or introduce a cysteine residue (PMID: 19006240, 18767143); This variant is associated with the following publications: (PMID: 19006240, 18767143)

Labcorp Genetics (formerly Invitae), Labcorp
Classification: Benign for Congenital contractural arachnodactyly. Last evaluated: 2025-05-18. Review status: criteria provided, single submitter. Criteria: Invitae Variant Classification Sherloc (09022015). Collection method: clinical testing. Allele origin: germline.

NM_001999.4(FBN2):c.6923G>A (p.Arg2308Lys)

Gene: FBN2 (fibrillin 2; minus strand). Cytogenetic location: 5q23.3.
Variant type: single nucleotide variant.
Coding change: c.6923G>A on transcript NM_001999.4 (MANE Select); coding-DNA position 6923, G replaced by A.
Protein change: p.Arg2308Lys; replaces arginine 2308 with lysine.
Molecular consequence: missense variant.
Genome position (GRCh38, 1-based): chr5:128,286,807, C>T on the plus strand (G>A on the coding strand, the complement: FBN2 is on the minus strand). VCF-style: chr5-128286807-C-T. GRCh37 (hg19) VCF-style: chr5-127622499-C-T.
Other names: short protein forms R2308K.
Identifiers: ClinVar variation 213422 (VCV000213422.4), dbSNP rs765129486, ClinGen allele CA320003.